The following is an entry in ClinVar:

NM_001267550.2(TTN):c.64432A>G (p.Ile21478Val)

Genes: TTN (titin; minus strand), TTN-AS1 (TTN antisense RNA 1; plus strand). Cytogenetic location: 2q31.2.
Variant type: single nucleotide variant.
Coding change: c.64432A>G on transcript NM_001267550.2 (MANE Select); coding-DNA position 64432, A replaced by G.
Protein change: p.Ile21478Val; replaces isoleucine 21478 with valine.
Molecular consequence: missense variant.
Genome position (GRCh38, 1-based): chr2:178,585,312, T>C on the plus strand (A>G on the coding strand, the complement: TTN is on the minus strand). VCF-style: chr2-178585312-T-C. GRCh37 (hg19) VCF-style: chr2-179450039-T-C.
Other names: p.Ile19837Val; c.59509A>G, p.Ile19837Val (NM_001256850.1); c.37237A>G, p.Ile12413Val (NM_003319.4); c.56728A>G, p.Ile18910Val (NM_133378.4); c.37612A>G, p.Ile12538Val (NM_133432.3); c.37813A>G, p.Ile12605Val (NM_133437.4); short protein forms I12413V, I12538V, I12605V, I18910V, I19837V, I21478V.
Identifiers: ClinVar variation 2438333 (VCV002438333.4), dbSNP rs2469180063, ClinGen allele CA349440197.

ClinVar aggregate classification (germline): Uncertain significance. Review status: criteria provided, multiple submitters, no conflicts (2 of 4 stars). 2 submissions from 2 submitters: Uncertain significance (2). Last evaluated 2024-03-22.

Allele frequency attached by ClinVar (database versions not stated): gnomAD exomes 0.00001.
gnomAD v4.1: 10 of 1,610,240 alleles (0.00062%); highest among the groups gnomAD compares: South Asian, 0.0011%; no homozygotes.

Submissions (2):

Mayo Clinic Laboratories, Mayo Clinic
Classification: Uncertain significance. Last evaluated: 2024-03-22. Review status: criteria provided, single submitter. Criteria: ACMG Guidelines, 2015. Collection method: clinical testing. Allele origin: germline. Observed: 1 variant allele.
Comment: BP4, PM2

Revvity Omics, Revvity
Classification: Uncertain significance. Last evaluated: 2021-04-14. Review status: criteria provided, single submitter. Criteria: ACMG Guidelines, 2015. Collection method: clinical testing. Allele origin: germline.